The following is an entry in ClinVar:

NM_000051.4(ATM):c.8596C>G (p.Leu2866Val)

Genes: ATM (ATM serine/threonine kinase; plus strand), C11orf65 (chromosome 11 open reading frame 65; minus strand). Cytogenetic location: 11q22.3.
Variant type: single nucleotide variant.
Coding change: c.8596C>G on transcript NM_000051.4 (MANE Select); coding-DNA position 8596, C replaced by G.
Protein change: p.Leu2866Val; replaces leucine 2866 with valine.
Molecular consequence: missense variant. On other transcripts: intron variant (2).
Genome position (GRCh38, 1-based): chr11:108,347,290, C>G. VCF-style: chr11-108347290-C-G. GRCh37 (hg19) VCF-style: chr11-108218017-C-G.
Other names: p.Leu2866Val; c.8596C>G, p.Leu2866Val (NM_001351834.2); c.641-38219G>C (NM_001330368.2); c.695-11998G>C (NM_001351110.2); short protein forms L2866V.
Identifiers: ClinVar variation 186482 (VCV000186482.32), dbSNP rs368666328, ClinGen allele CA194948.

ClinVar aggregate classification (germline): Conflicting classifications of pathogenicity. Review status: criteria provided, conflicting classifications (1 of 4 stars). 14 submissions from 14 submitters: Uncertain significance (10); Likely benign (2). 2 of the submissions do not count toward it. Last evaluated 2026-08-18.

Conditions:
ATM-related cancer predisposition. Also called: ATM-related cancer susceptibility. Identifiers: MedGen CN377759, MONDO:0700270.
Hereditary cancer-predisposing syndrome. Also called: Hereditary Cancer Syndrome; Tumor predisposition; Neoplastic Syndromes, Hereditary; Hereditary neoplastic syndrome. Identifiers: Orphanet 140162, MedGen C0027672, MeSH D009386, MONDO:0015356.
Familial cancer of breast. Also called: hereditary breast carcinoma; BREAST CANCER, FAMILIAL; Hereditary breast cancer. Identifiers: Orphanet 227535, MedGen C0346153, MONDO:0016419, OMIM 114480. Disease mechanism: loss of function.
Ataxia-telangiectasia syndrome (AT). Also called: ATAXIA-TELANGIECTASIA, COMPLEMENTATION GROUP A; ATAXIA-TELANGIECTASIA, FRESNO VARIANT; Ataxia-telangiectasia; Ataxia-telangiectasia, complementation group E; Cerebello-oculocutaneous telangiectasia; Immunodeficiency with ataxia telangiectasia. Identifiers: Orphanet 100, MedGen C0004135, MONDO:0008840, OMIM 208900.

Allele frequency attached by ClinVar (database versions not stated): TOPMed 0.00002; ESP Exome Variant Server 0.00008; gnomAD 0.00003.
gnomAD v4.1: 4 of 1,609,096 alleles (0.00025%); highest among the groups gnomAD compares: Non-Finnish European, 0.00034%; no homozygotes.

Submissions (14):

Ambry Genetics
Classification: Likely benign for Hereditary cancer-predisposing syndrome. Last evaluated: 2026-08-18. Review status: criteria provided, single submitter. Criteria: Ambry Variant Classification Scheme 2023. Collection method: clinical testing. Allele origin: germline.

Athena Diagnostics
Classification: Uncertain significance. Last evaluated: 2025-10-28. Review status: criteria provided, single submitter. Criteria: Athena Diagnostics Criteria. Collection method: clinical testing. Allele origin: unknown.

Quest Diagnostics Nichols Institute San Juan Capistrano
Classification: Uncertain significance. Last evaluated: 2025-10-28. Review status: criteria provided, single submitter. Criteria: Quest Diagnostics criteria. Collection method: clinical testing. Allele origin: unknown.
Comment: The ATM c.8596C>G (p.Leu2866Val) variant has been reported in the published literature in individuals with breast cancer (PMID: 28779002 (2017)), endometrial cancer (PMID: 27443514 (2016)), and prostate cancer (PMID: 33436325 (2021)), as well as in a reportedly unaffected individual in a large scale breast cancer association study (PMID: 33471991 (2021), see also LOVD). The frequency of this variant in the general population (Genome Aggregation Database) is uninformative in the assessment of its pathogenicity. Analysis of this variant using bioinformatics tools for the prediction of the effect of amino acid changes on protein structure and function yielded predictions that this variant is benign. Based on the available information, we are unable to determine the clinical significance of this variant.

Color Diagnostics, LLC DBA Color Health
Classification: Uncertain significance for Hereditary cancer-predisposing syndrome. Last evaluated: 2025-09-02. Review status: criteria provided, single submitter. Criteria: ACMG Guidelines, 2015. Collection method: clinical testing. Allele origin: germline.
Comment: This missense variant replaces leucine with valine at codon 2866 of the ATM protein. Computational prediction suggests that this variant may not impact protein structure and function. To our knowledge, functional studies have not been reported for this variant. In an international breast cancer case-control meta-analysis, this variant was absent in 60466 breast cancer cases and detected in 2/53461 unaffected controls (PMID: 33471991). This variant has been identified in 1/31376 chromosomes in the general population by the Genome Aggregation Database (gnomAD). The available evidence is insufficient to determine the role of this variant in disease conclusively. Therefore, this variant is classified as a Variant of Uncertain Significance.

Institute for Biomarker Research, Medical Diagnostic Laboratories, L.L.C.
Classification: Uncertain significance for Hereditary cancer-predisposing syndrome. Last evaluated: 2025-08-11. Review status: criteria provided, single submitter. Criteria: ACMG Guidelines, 2015. Collection method: clinical testing. Allele origin: germline.
Comment: The missense variant NM_000051.4(ATM):c.8596C>G (p.Leu2866Val) has not been reported previously as a pathogenic variant, to our knowledge. The p.Leu2866Val variant is novel (not in any individuals) in gnomAD. There is a small physicochemical difference between leucine and valine, which is not likely to impact secondary protein structure as these residues share similar properties. The gene ATM has a low rate of benign missense variation as indicated by a high missense variants Z-Score of 2.52. The gene ATM contains 177 pathogenic missense variants, indicating that missense variants are a common mechanism of disease in this gene. For these reasons, this variant has been classified as Uncertain Significance.

Mayo Clinic Laboratories, Mayo Clinic
Classification: Uncertain significance. Last evaluated: 2025-06-09. Review status: criteria provided, single submitter. Criteria: ACMG Guidelines, 2015. Collection method: clinical testing. Allele origin: germline. Observed: 1 variant allele.

Labcorp Genetics (formerly Invitae), Labcorp
Classification: Uncertain significance for Ataxia-telangiectasia syndrome. Last evaluated: 2025-01-29. Review status: criteria provided, single submitter. Criteria: Invitae Variant Classification Sherloc (09022015). Collection method: clinical testing. Allele origin: germline.
Comment: This sequence change replaces leucine, which is neutral and non-polar, with valine, which is neutral and non-polar, at codon 2866 of the ATM protein (p.Leu2866Val). This variant is present in population databases (rs368666328, gnomAD 0.007%). This missense change has been observed in individual(s) with endometrial cancer and/or prostate cancer (PMID: 27443514, 33436325). ClinVar contains an entry for this variant (Variation ID: 186482). Invitae Evidence Modeling of protein sequence and biophysical properties (such as structural, functional, and spatial information, amino acid conservation, physicochemical variation, residue mobility, and thermodynamic stability) indicates that this missense variant is not expected to disrupt ATM protein function with a negative predictive value of 95%. In summary, the available evidence is currently insufficient to determine the role of this variant in disease. Therefore, it has been classified as a Variant of Uncertain Significance.

GeneDx
Classification: Uncertain significance. Last evaluated: 2024-08-07. Review status: criteria provided, single submitter. Criteria: GeneDx Variant Classification Process June 2021. Collection method: clinical testing. Allele origin: germline.
Comment: Not observed at significant frequency in large population cohorts (gnomAD); In silico analysis indicates that this missense variant does not alter protein structure/function; Observed in individuals with breast, prostate or endometrial cancer (PMID: 27443514, 28779002, 33436325); This variant is associated with the following publications: (PMID: 27443514, 33436325, 28779002, 28652578, 23532176, 15279808)

Department of Pathology and Laboratory Medicine, Sinai Health System
Classification: Uncertain significance for ATM-related cancer predisposition. Last evaluated: 2024-08-01. Review status: criteria provided, single submitter. Criteria: ACMG Guidelines, 2015. Collection method: clinical testing. Allele origin: germline.

Baylor Genetics
Classification: Uncertain significance for Familial cancer of breast. Last evaluated: 2024-02-05. Review status: criteria provided, single submitter. Criteria: ACMG Guidelines, 2015. Collection method: clinical testing. Allele origin: unknown.

Myriad Genetics, Inc.
Classification: Likely benign for Familial cancer of breast. Last evaluated: 2023-04-03. Review status: criteria provided, single submitter. Criteria: Myriad Autosomal Dominant, Autosomal Recessive and X-Linked Classification Criteria (2023). Collection method: clinical testing. Allele origin: unknown.
Comment: This variant is considered likely benign. This variant is strongly associated with less severe personal and family histories of cancer, typical for individuals without pathogenic variants in this gene [PMID: 25085752].

Illumina Laboratory Services, Illumina
Classification: Uncertain significance for Ataxia-telangiectasia syndrome. Last evaluated: 2017-04-27. Review status: criteria provided, single submitter. Criteria: ICSL Variant Classification Criteria 13 December 2019. Collection method: clinical testing. Allele origin: germline.

Natera, Inc.
Classification: Uncertain significance for Ataxia-telangiectasia. Last evaluated: 2020-09-16. Review status: no assertion criteria provided. Collection method: clinical testing. Allele origin: germline. Not counted in ClinVar's aggregate classification.

Counsyl
Classification: Uncertain significance for Ataxia-telangiectasia syndrome. Last evaluated: 2017-03-09. Review status: no assertion criteria provided. Collection method: clinical testing. Allele origin: unknown. Not counted in ClinVar's aggregate classification.

Literature cited by the submitters: PubMed 27443514 (cited by 5 submitters); PubMed 28652578 (cited by Ambry Genetics and Department of Pathology and Laboratory Medicine, Sinai Health System); PubMed 28779002 (cited by 3 submitters); PubMed 33436325 (cited by 5 submitters); PubMed 40580951 (cited by Ambry Genetics); PubMed 33471991 (cited by Color Diagnostics, LLC DBA Color Health and Department of Pathology and Laboratory Medicine, Sinai Health System); PubMed 25085752 (cited by Myriad Genetics, Inc.).